The following is an entry in ClinVar:

NM_025152.3(NUBPL):c.2T>C (p.Met1Thr)

Gene: NUBPL (NUBP iron-sulfur cluster assembly factor, mitochondrial; plus strand). Cytogenetic location: 14q12.
Variant type: single nucleotide variant.
Coding change: c.2T>C on transcript NM_025152.3 (MANE Select); coding-DNA position 2, T replaced by C.
Protein change: p.Met1Thr; changes the start codon (methionine 1).
Molecular consequence: missense variant, initiator codon variant. On other transcripts: non-coding transcript variant (1).
Genome position (GRCh38, 1-based): chr14:31,561,441, T>C. VCF-style: chr14-31561441-T-C. GRCh37 (hg19) VCF-style: chr14-32030647-T-C.
Other names: short protein forms M1T.
Identifiers: ClinVar variation 517222 (VCV000517222.9), dbSNP rs567437692, ClinGen allele CA501120.
Genomic context (GRCh38, chr14:31,561,441, plus strand): 5'-CATCACTCCGCGCCACCCGCGACAGTTTCCCAGCAGGGCTCACAGCAGCGTTCCGCGTCA[T>C]GGGGATTTGGCAGCGTCTGCTGCTTTTTGGTGGGGTGTCGCTCCGGGCTGGTGGCGGGGC-3'
Protein context (NP_079428.2, residues 1-11): [Met1Thr]GIWQRLLLFG

ClinVar aggregate classification (germline): Conflicting classifications of pathogenicity. Review status: criteria provided, conflicting classifications (1 of 4 stars). 4 submissions from 3 submitters: Likely pathogenic (3); Uncertain significance (1). Last evaluated 2024-03-26.

Conditions:
Mitochondrial oxidative phosphorylation disorder. Identifiers: Orphanet 223713, MedGen C5679825, MONDO:0016387.
Mitochondrial complex I deficiency, nuclear type 21. Also called: Mitochondrial complex 1 deficiency, nuclear type 21. Identifiers: MedGen C4748792, MONDO:0032625, OMIM 618242.
Mitochondrial complex I deficiency, nuclear type 1. Also called: NADH-COENZYME Q REDUCTASE DEFICIENCY; MITOCHONDRIAL NADH DEHYDROGENASE COMPONENT OF COMPLEX I, DEFICIENCY OF. Identifiers: MedGen C6022305, MONDO:0100224, OMIM 252010.

Allele frequency attached by ClinVar (database versions not stated): gnomAD 0.00001; gnomAD exomes 0.00003 and 0.00010; TOPMed 0.00003; ExAC 0.00012; 1000 Genomes Project 0.00020; 1000 Genomes Project 30x 0.00031.

Submissions (4):

Genomic Medicine Center of Excellence, King Faisal Specialist Hospital and Research Centre
Classification: Likely pathogenic for Mitochondrial complex I deficiency, nuclear type 21. Last evaluated: 2024-03-26. Review status: criteria provided, single submitter. Criteria: ACMG Guidelines, 2015. Collection method: clinical testing. Allele origin: germline.

Laboratory for Molecular Medicine, Mass General Brigham Personalized Medicine
Classification: Likely pathogenic for Mitochondrial oxidative phosphorylation disorder. Last evaluated: 2017-03-04. Review status: criteria provided, single submitter. Criteria: LMM Criteria. Collection method: clinical testing. Allele origin: germline. Inheritance: Autosomal recessive inheritance. Observed: 1 variant allele.
Comment: The p.Met1? (NM_025152.2 c.2T>C) variant in NUBPL has not been reported in indiv iduals with clinical features of mitochondrial complex I deficiency. This varian t has been identified in 0.14% (6/4298) of South Asian chromosomes by the Exome Aggregation Consortium (ExAC; dbSNP rs567437692) . While its precise impact is not known, this variant is predicted to severely a ffect the synthesis of the NUBPL protein by disrupting the translation initiatio n start codon (ATG), resulting in a truncated or absent protein. Biallelic loss of function in the NUBPL gene has been associated with mitochondrial complex I d eficiency. In summary, although additional studies are required to fully establi sh a null effect, the p.Met1? variant is likely pathogenic for mitochondrial com plex I deficiency in an autosomal recessive manner based on its predicted functi onal impact.

Neuberg Centre For Genomic Medicine, NCGM
Classification: Likely pathogenic for Mitochondrial complex I deficiency, nuclear type 1. Review status: criteria provided, single submitter. Criteria: ACMG Guidelines, 2015. Collection method: clinical testing. Allele origin: germline. Inheritance: Autosomal recessive inheritance. Affected: yes.
Comment: The start loss variant c.2T>C(p.Met1?) in NUBPL gene has not been reported previously as a pathogenic variant nor as a benign variant, to our knowledge. This variant is reported with the allele frequency (0.01%) in the gnomAD and novel in 1000 genome database. This variant has been reported to the ClinVar database as Likely Pathogenic. The p.Met1? variant is predicted to disrupt the initiation codon, and thus potentially may interfere with protein expression. This variant is predicted to cause loss of normal protein function through protein truncation. Loss of function variants have been previously reported to be disease causing. For these reasons, this variant has been classified as Likely Pathogenic.

Neuberg Centre For Genomic Medicine, NCGM
Classification: Uncertain significance for Mitochondrial complex I deficiency, nuclear type 21. Review status: criteria provided, single submitter. Criteria: ACMG Guidelines, 2015. Collection method: clinical testing. Allele origin: germline. Inheritance: Autosomal dominant inheritance. Affected: yes.
Comment: The current evidence is insufficient to determine the pathogenicity of the variant conclusively.